The following is an entry in ClinVar:

NM_001372.4(DNAH9):c.13002G>A (p.Trp4334Ter)

Gene: DNAH9 (dynein axonemal heavy chain 9; plus strand). Cytogenetic location: 17p12.
Variant type: single nucleotide variant.
Coding change: c.13002G>A on transcript NM_001372.4 (MANE Select); coding-DNA position 13002, G replaced by A.
Protein change: p.Trp4334Ter; replaces tryptophan 4334 with a stop codon.
Molecular consequence: nonsense.
Genome position (GRCh38, 1-based): chr17:11,962,025, G>A. VCF-style: chr17-11962025-G-A. GRCh37 (hg19) VCF-style: chr17-11865342-G-A.
Other names: c.1938G>A, p.Trp646Ter (NM_004662.2); short protein forms W646*, W4334*.
Identifiers: ClinVar variation 2029085 (VCV002029085.4), dbSNP rs1976237961, ClinGen allele CA398201878.

ClinVar aggregate classification (germline): Pathogenic (1 of 4 stars; one submission).

Allele frequency attached by ClinVar (database versions not stated): gnomAD exomes below 0.00001; gnomAD 0.00001.
gnomAD v4.1: 3 of 1,614,052 alleles (0.00019%); no homozygotes.

Submission:

Labcorp Genetics (formerly Invitae), Labcorp
Classification: Pathogenic. Last evaluated: 2022-09-05. Review status: criteria provided, single submitter. Criteria: Invitae Variant Classification Sherloc (09022015). Collection method: clinical testing. Allele origin: germline.
Comment: For these reasons, this variant has been classified as Pathogenic. This variant has not been reported in the literature in individuals affected with DNAH9-related conditions. This variant is not present in population databases (gnomAD no frequency). This sequence change creates a premature translational stop signal (p.Trp4334*) in the DNAH9 gene. It is expected to result in an absent or disrupted protein product. Loss-of-function variants in DNAH9 are known to be pathogenic (PMID: 30471718).

Literature cited by the submitters: PubMed 30471718.